The following is an entry in ClinVar:

ClinVar aggregate classification (germline): Pathogenic (1 of 4 stars; one submission).

Conditions:
Familial adenomatous polyposis 1 (FAP1). Also called: FAMILIAL ADENOMATOUS POLYPOSIS 1, ATTENUATED; POLYPOSIS, ADENOMATOUS INTESTINAL. Identifiers: MedGen C2713442, MONDO:0021056, OMIM 175100. Disease mechanism: loss of function.

Submission:

Myriad Genetics, Inc.
Classification: Pathogenic for Familial adenomatous polyposis 1. Last evaluated: 2024-09-24. Review status: criteria provided, single submitter. Criteria: Myriad Autosomal Dominant, Autosomal Recessive and X-Linked Classification Criteria (2023). Collection method: clinical testing. Allele origin: unknown.
Comment: This variant is considered pathogenic. This variant creates a frameshift predicted to result in premature protein truncation.

NM_000038.6(APC):c.141del (p.Lys49fs)

Gene: APC (APC regulator of Wnt signaling pathway; plus strand). Cytogenetic location: 5q22.2.
Variant type: Deletion.
Coding change: c.141del on transcript NM_000038.6 (MANE Select); coding-DNA position 141, one base deleted (A; older notation c.141delA).
Protein change: p.Lys49fs; shifts the reading frame from lysine 49.
Molecular consequence: frameshift variant. On other transcripts: 5 prime UTR variant (8), non-coding transcript variant (2).
Genome position (GRCh38, 1-based): chr5:112,766,331, A deleted. VCF-style (leftmost placement, unchanged base first): chr5-112766330-TA-T. GRCh37 (hg19) VCF-style: chr5-112102027-TA-T.
Other names: c.141del, p.Lys49fs (NM_001127510.3, NM_001354895.2, NM_001354896.2 and 16 more transcripts); c.171del, p.Lys59fs (NM_001127511.3, NM_001354897.2, NM_001354902.2 and 1 more transcripts); c.66del, p.Lys24fs (NM_001354898.2, NM_001354904.2, NM_001407451.1); c.-37del (NM_001354900.2, NM_001354901.2, NM_001354905.2 and 1 more transcripts); c.-895del (NM_001354906.2, NM_001407470.1, NM_001407471.1 and 1 more transcripts); short protein forms K24fs, K49fs, K59fs.
Identifiers: ClinVar variation 3379287 (VCV003379287.1).